The following is an entry in ClinVar:

ClinVar aggregate classification (germline): Likely pathogenic (1 of 4 stars; one submission).

Conditions:
Cohen syndrome (COH1). Also called: PEPPER SYNDROME; Cutis verticis gyrata, retinitis pigmentosa, and sensorineural deafness. Identifiers: Orphanet 193, MedGen C0265223, MONDO:0008999, OMIM 216550.

Submission:

Natera, Inc.
Classification: Likely pathogenic for Cohen syndrome. Last evaluated: 2025-01-23. Review status: criteria provided, single submitter. Criteria: Natera Variant Classification Schema (03/2026). Collection method: clinical testing. Allele origin: germline.
Comment: The c.4281C>A variant in VPS13B is a nonsense variant predicted to introduce a stop codon at amino acid 1427. This variant is expected to result in nonsense mediated decay, truncation, or a dysfunctional protein product. This variant is rare in the general population with a frequency below the threshold expected for the associated phenotype(s). Given the available evidence, this variant is classified as Likely Pathogenic.

NM_017890.5(VPS13B):c.4281C>A (p.Cys1427Ter)

Gene: VPS13B (vacuolar protein sorting 13 homolog B; plus strand). Cytogenetic location: 8q22.2.
Variant type: single nucleotide variant.
Coding change: c.4281C>A on transcript NM_017890.5 (MANE Plus Clinical); coding-DNA position 4281, C replaced by A.
Protein change: p.Cys1427Ter; replaces cysteine 1427 with a stop codon.
Molecular consequence: nonsense. On other transcripts: intron variant (1).
Genome position (GRCh38, 1-based): chr8:99,507,893, C>A. VCF-style: chr8-99507893-C-A. GRCh37 (hg19) VCF-style: chr8-100520121-C-A.
Other names: c.4224+690C>A (NM_152564.5); short protein forms C1427*.
Identifiers: ClinVar variation 4063254 (VCV004063254.2).